The following is an entry in ClinVar:

NM_001282531.3(ADNP):c.646C>T (p.Arg216Ter)

Gene: ADNP (activity dependent neuroprotector homeobox; minus strand). Cytogenetic location: 20q13.13.
Variant type: single nucleotide variant.
Coding change: c.646C>T on transcript NM_001282531.3 (MANE Select); coding-DNA position 646, C replaced by T.
Protein change: p.Arg216Ter; replaces arginine 216 with a stop codon.
Molecular consequence: nonsense.
Genome position (GRCh38, 1-based): chr20:50,894,068, G>A on the plus strand (C>T on the coding strand, the complement: ADNP is on the minus strand). VCF-style: chr20-50894068-G-A. GRCh37 (hg19) VCF-style: chr20-49510605-G-A.
Other names: c.646C>T (NM_015339.2); c.646C>T, p.Arg216Ter (NM_001282532.2, NM_001347511.2, NM_015339.5 and 1 more transcripts); short protein forms R216*.
Identifiers: ClinVar variation 4072139 (VCV004072139.2).

ClinVar aggregate classification (germline): Pathogenic. Review status: criteria provided, multiple submitters, no conflicts (2 of 4 stars). 2 submissions from 2 submitters: Pathogenic (2). Last evaluated 2025-07-19.

Conditions:
Intellectual disability. Also called: Intellectual functioning disability; intellectual disabilities; Intellectual developmental disorder. Identifiers: MedGen C3714756, MeSH D008607, MONDO:0001071, HP:0001249.

Submissions (2):

GeneDx
Classification: Pathogenic. Last evaluated: 2025-07-19. Review status: criteria provided, single submitter. Criteria: GeneDx Variant Classification Process June 2021. Collection method: clinical testing. Allele origin: germline. Affected: yes.
Comment: Reported previously in an individual with developmental delay and autistic traits in the published literature (PMID: 28221363); Nonsense variant predicted to result in protein truncation, as the last 887 amino acid(s) are lost, and other loss-of-function variants have been reported downstream in HGMD; Not observed at significant frequency in large population cohorts (gnomAD); This variant is associated with the following publications: (PMID: 28221363, 29724491)

Cambridge Genomics Laboratory, East Genomic Laboratory Hub, NHS Genomic Medicine Service
Classification: Pathogenic for Intellectual disability. Last evaluated: 2019-04-17. Review status: criteria provided, single submitter. Criteria: ACGS Best Practice Guidelines for Variant Classification in Rare Disease 2020. Collection method: clinical testing. Allele origin: germline. Affected: yes. Observed: 1 variant allele.